The following is an entry in ClinVar:

NM_000051.4(ATM):c.6585_6586del (p.His2195fs)

Genes: ATM (ATM serine/threonine kinase; plus strand), C11orf65 (chromosome 11 open reading frame 65; minus strand). Cytogenetic location: 11q22.3.
Variant type: Deletion.
Coding change: c.6585_6586del on transcript NM_000051.4 (MANE Select); coding-DNA positions 6585 to 6586, 2 bases deleted (TA; older notation c.6585_6586delTA).
Protein change: p.His2195fs; shifts the reading frame from histidine 2195.
Molecular consequence: frameshift variant. On other transcripts: intron variant (2).
Genome position (GRCh38, 1-based): chr11:108,325,322-108,325,323, TA deleted; deleting any 2 consecutive bases within chr11:108,325,321-108,325,323 gives the same sequence; the c. name uses the placement nearest the transcript's 3' end. VCF-style (leftmost placement, unchanged base first): chr11-108325320-CAT-C. GRCh37 (hg19) VCF-style: chr11-108196047-CAT-C.
Other names: c.6585_6586delTA, p.His2195Glnfs (NM_000051.3); c.6585_6586del, p.His2195fs (NM_001351834.2); c.641-16251_641-16250del (NM_001330368.2); c.*38+9898_*38+9899del (NM_001351110.2); short protein forms H2195fs.
Identifiers: ClinVar variation 524395 (VCV000524395.15), dbSNP rs1555119004, ClinGen allele CA658797752.

ClinVar aggregate classification (germline): Pathogenic/Likely pathogenic. Review status: criteria provided, multiple submitters, no conflicts (2 of 4 stars). 7 submissions from 7 submitters: Pathogenic (5); Likely pathogenic (2). Last evaluated 2025-12-09.

Conditions:
Hereditary cancer-predisposing syndrome. Also called: Hereditary Cancer Syndrome; Neoplastic Syndromes, Hereditary; Tumor predisposition; Hereditary neoplastic syndrome. Identifiers: Orphanet 140162, MedGen C0027672, MeSH D009386, MONDO:0015356.
Familial cancer of breast. Also called: BREAST CANCER, FAMILIAL; Hereditary breast cancer; hereditary breast carcinoma. Identifiers: Orphanet 227535, MedGen C0346153, MONDO:0016419, OMIM 114480. Disease mechanism: loss of function.
Ataxia-telangiectasia syndrome (AT). Also called: Cerebello-oculocutaneous telangiectasia; Immunodeficiency with ataxia telangiectasia; Ataxia-telangiectasia, complementation group E; Ataxia-telangiectasia, complementation group D; AT, COMPLEMENTATION GROUP C; ATAXIA-TELANGIECTASIA, COMPLEMENTATION GROUP A. Identifiers: Orphanet 100, MedGen C0004135, MONDO:0008840, OMIM 208900.

Submissions (7):

Dasa
Classification: Pathogenic. Last evaluated: 2025-12-09. Review status: criteria provided, single submitter. Criteria: DASA Assertion Criteria. Collection method: clinical testing. Allele origin: germline.
Comment: NM_000051.4(ATM):c.6585_6586del (p.His2195Glnfs*5) is a frameshift variant in ATM predicted to alter the reading frame and introduce a premature termination codon and is predicted to result in an absent or altered protein product. Loss of function is an established disease mechanism for ATM (PMID: 3574400; PMID: 27595995; PMID: 15928302). The affected residue or protein region has prior evidence supporting clinical relevance. Also, this variant is absent from population databases. Based on the currently available evidence, this variant is classified as pathogenic.

Labcorp Genetics (formerly Invitae), Labcorp
Classification: Pathogenic for Ataxia-telangiectasia syndrome. Last evaluated: 2025-08-31. Review status: criteria provided, single submitter. Criteria: Invitae Variant Classification Sherloc (09022015). Collection method: clinical testing. Allele origin: germline.
Comment: This sequence change creates a premature translational stop signal (p.His2195Glnfs*5) in the ATM gene. It is expected to result in an absent or disrupted protein product. Loss-of-function variants in ATM are known to be pathogenic (PMID: 23807571, 25614872). This variant is not present in population databases (gnomAD no frequency). This variant has not been reported in the literature in individuals affected with ATM-related conditions. ClinVar contains an entry for this variant (Variation ID: 524395). For these reasons, this variant has been classified as Pathogenic.

Molecular Diagnostics Laboratory, Catalan Institute of Oncology
Classification: Pathogenic for Hereditary cancer-predisposing syndrome. Last evaluated: 2025-01-14. Review status: criteria provided, single submitter. Criteria: ClinGen ACMG Specifications ATM V1.1.0. Collection method: clinical testing. Allele origin: germline.
Comment: PVS1, PM2_Supporting, PM5_Supporting c.6585_6586del, located in exon 46 of the ATM gene, consists in the deletion of two nucleotides, causing a translational frameshift with a predicted alternate stop codon, p.(His2195Glnfs*5).This alteration is expected to result in loss of function by premature protein truncation and nonsense-mediated mRNA decay (PVS1, PM5_Supporting). It is not present in the population database gnomAD v2.1.1, non cancer dataset (PM2_supporting). The SpliceAI algorithm predicts no significant impact on splicing. To our knowledge, functional studies have not been reported for this variant. In addition, it has been reported in ClinVar database (3x pathogenic, 2x likely pathogenic) but has not been identified in the LOVD database. Based on currently available information, the variant c.6585_6586del is classified as a pathogenic variant according to ClinGen-ATM Guidelines version v1.1.

Myriad Genetics, Inc.
Classification: Pathogenic for Familial cancer of breast. Last evaluated: 2024-01-30. Review status: criteria provided, single submitter. Criteria: Myriad Autosomal Dominant, Autosomal Recessive and X-Linked Classification Criteria (2023). Collection method: clinical testing. Allele origin: unknown.
Comment: This variant is considered pathogenic. This variant creates a frameshift predicted to result in premature protein truncation.

Ambry Genetics
Classification: Pathogenic for Hereditary cancer-predisposing syndrome. Last evaluated: 2024-01-10. Review status: criteria provided, single submitter. Criteria: Ambry Variant Classification Scheme 2023. Collection method: clinical testing. Allele origin: germline.
Comment: The c.6585_6586delTA pathogenic mutation, located in coding exon 45 of the ATM gene, results from a deletion of two nucleotides at nucleotide positions 6585 to 6586, causing a translational frameshift with a predicted alternate stop codon (p.H2195Qfs*5). This variant is considered to be rare based on population cohorts in the Genome Aggregation Database (gnomAD). This alteration is expected to result in loss of function by premature protein truncation or nonsense-mediated mRNA decay. As such, this alteration is interpreted as a disease-causing mutation.

Baylor Genetics
Classification: Likely pathogenic for Familial cancer of breast. Last evaluated: 2022-10-31. Review status: criteria provided, single submitter. Criteria: ACMG Guidelines, 2015. Collection method: clinical testing. Allele origin: unknown.

Sema4
Classification: Likely pathogenic for Hereditary cancer-predisposing syndrome. Last evaluated: 2021-11-09. Review status: criteria provided, single submitter. Criteria: Sema4 Curation Guidelines. Collection method: curation. Allele origin: germline.
Comment: The ATM c.6585_6586delTA (p.H2195QfsX5) variant has not been reported in the literature to our knowledge. This variant causes a frameshift at amino acid 2195 that results in premature termination 5 amino acids downstream. At this location, this variant is predicted to cause loss of normal protein function either through protein truncation or nonsense-mediated mRNA decay. Loss of function variants in ATM are known to be pathogenic (PMID: 31050087). This variant was not observed in the Genome Aggregation Database. The variant has been reported in ClinVar (Variation ID 524395). Based on the current evidence available, this variant is interpreted as likely pathogenic.

Literature cited by the submitters: PubMed 3574400 (cited by Dasa); PubMed 27595995 (cited by Dasa); PubMed 15928302 (cited by Dasa); PubMed 23807571 (cited by Labcorp Genetics (formerly Invitae), Labcorp); PubMed 25614872 (cited by Labcorp Genetics (formerly Invitae), Labcorp); PubMed 31050087 (cited by Sema4).